The following is an entry in ClinVar:

ClinVar aggregate classification (germline): Benign. Review status: criteria provided, multiple submitters, no conflicts (2 of 4 stars). 11 submissions from 11 submitters: Benign (8). 3 of the submissions do not count toward it. Last evaluated 2026-02-04.

Conditions:
Hereditary acrodermatitis enteropathica (AEZ). Also called: Acrodermatitis enteropathica. Identifiers: Orphanet 37, MedGen C0221036, MONDO:0008713, OMIM 201100.

Allele frequency attached by ClinVar (database versions not stated): 1000 Genomes Project 30x 0.38367; 1000 Genomes Project 0.39357; TOPMed 0.42172; ESP Exome Variant Server 0.43139; gnomAD 0.43646 and 0.44106; gnomAD exomes 0.51917 and 0.55575; ExAC 0.54910.
gnomAD v4.1: 867,688 of 1,593,756 alleles (54%); highest among the groups gnomAD compares: Non-Finnish European, 58%; 244,503 homozygotes.

Submissions (11):

Labcorp Genetics (formerly Invitae), Labcorp
Classification: Benign. Last evaluated: 2026-02-04. Review status: criteria provided, single submitter. Criteria: Invitae Variant Classification Sherloc (09022015). Collection method: clinical testing. Allele origin: germline.

Blueprint Genetics
Classification: Benign. Last evaluated: 2024-11-27. Review status: criteria provided, single submitter. Criteria: ACMG Guidelines, 2015. Collection method: clinical testing. Allele origin: germline.

Mayo Clinic Laboratories, Mayo Clinic
Classification: Benign. Last evaluated: 2022-09-06. Review status: criteria provided, single submitter. Criteria: ACMG Guidelines, 2015. Collection method: clinical testing. Allele origin: germline. Observed: 77 variant alleles.

Fulgent Genetics
Classification: Benign for Hereditary acrodermatitis enteropathica. Last evaluated: 2022-02-07. Review status: criteria provided, single submitter. Criteria: ACMG Guidelines, 2015. Collection method: clinical testing. Allele origin: unknown.

Genome-Nilou Lab
Classification: Benign for Hereditary acrodermatitis enteropathica. Last evaluated: 2021-07-10. Review status: criteria provided, single submitter. Criteria: ACMG Guidelines, 2015. Collection method: clinical testing. Allele origin: germline. Affected: no.

GeneDx
Classification: Benign. Last evaluated: 2021-06-09. Review status: criteria provided, single submitter. Criteria: GeneDx Variant Classification Process June 2021. Collection method: clinical testing. Allele origin: germline. Affected: yes.

Laboratory for Molecular Medicine, Mass General Brigham Personalized Medicine
Classification: Benign. Last evaluated: 2016-03-29. Review status: criteria provided, single submitter. Criteria: LMM Criteria. Collection method: clinical testing. Allele origin: germline.
Comment: Variant identified in a genome or exome case(s) and assessed due to predicted null impact of the variant or pathogenic assertions in the literature or databases. Disclaimer: This variant has not undergone full assessment. The following are preliminary notes: Frequency

Breakthrough Genomics
Classification: Benign. Review status: criteria provided, single submitter. Criteria: ACMG Guidelines, 2015. Collection method: not provided. Allele origin: germline. Inheritance: Autosomal recessive inheritance. Affected: yes.

Natera, Inc.
Classification: Benign for Acrodermatitis enteropathica. Last evaluated: 2020-09-16. Review status: no assertion criteria provided. Collection method: clinical testing. Allele origin: germline. Not counted in ClinVar's aggregate classification.

Diagnostic Laboratory, Department of Genetics, University Medical Center Groningen
Classification: Benign. Review status: no assertion criteria provided. Collection method: clinical testing. Allele origin: germline. Affected: yes. Study: VKGL Data-share Consensus. Not counted in ClinVar's aggregate classification.

Joint Genome Diagnostic Labs from Nijmegen and Maastricht, Radboudumc and MUMC+
Classification: Benign. Review status: no assertion criteria provided. Collection method: clinical testing. Allele origin: germline. Affected: yes. Study: VKGL Data-share Consensus. Not counted in ClinVar's aggregate classification.

NM_130849.4(SLC39A4):c.1069A>G (p.Thr357Ala)

Gene: SLC39A4 (solute carrier family 39 member 4; minus strand). Cytogenetic location: 8q24.3.
Variant type: single nucleotide variant.
Coding change: c.1069A>G on transcript NM_130849.4 (MANE Select); coding-DNA position 1069, A replaced by G.
Protein change: p.Thr357Ala; replaces threonine 357 with alanine.
Molecular consequence: missense variant.
Genome position (GRCh38, 1-based): chr8:144,414,342, T>C on the plus strand (A>G on the coding strand, the complement: SLC39A4 is on the minus strand). VCF-style: chr8-144414342-T-C. GRCh37 (hg19) VCF-style: chr8-145639726-T-C.
Other names: p.Thr357Ala; c.787A>G, p.Thr263Ala (NM_001374839.1); c.994A>G, p.Thr332Ala (NM_017767.3); short protein forms T357A, T332A, T263A.
Identifiers: ClinVar variation 362242 (VCV000362242.30), dbSNP rs2272662, ClinGen allele CA4941409.